The following is an entry in ClinVar:

ClinVar aggregate classification (germline): Pathogenic (1 of 4 stars; one submission).

Conditions:
Hereditary cancer-predisposing syndrome. Also called: Neoplastic Syndromes, Hereditary; Tumor predisposition; Hereditary Cancer Syndrome; Hereditary neoplastic syndrome. Identifiers: Orphanet 140162, MedGen C0027672, MeSH D009386, MONDO:0015356.

Submission:

Ambry Genetics
Classification: Pathogenic for Hereditary cancer-predisposing syndrome. Last evaluated: 2017-12-05. Review status: criteria provided, single submitter. Criteria: Ambry Variant Classification Scheme 2023. Collection method: clinical testing. Allele origin: germline.
Comment: The c.3391delA pathogenic mutation, located in coding exon 22 of the ATM gene, results from a deletion of one nucleotide at nucleotide position 3391, causing a translational frameshift with a predicted alternate stop codon (p.M1131*). This alteration is expected to result in loss of function by premature protein truncation or nonsense-mediated mRNA decay. As such, this alteration is interpreted as a disease-causing mutation.

NM_000051.4(ATM):c.3391del (p.Gly1130_Met1131insTer)

Gene: ATM (ATM serine/threonine kinase; plus strand). Cytogenetic location: 11q22.3.
Variant type: Deletion.
Coding change: c.3391del on transcript NM_000051.4 (MANE Select); coding-DNA position 3391, one base deleted (A; older notation c.3391delA).
Protein change: p.Gly1130_Met1131insTer.
Molecular consequence: nonsense.
Genome position (GRCh38, 1-based): chr11:108,279,597, A deleted; the last of 2 consecutive A bases (chr11:108,279,596-108,279,597); deleting either gives the same sequence. VCF-style (leftmost placement, unchanged base first): chr11-108279595-GA-G. GRCh37 (hg19) VCF-style: chr11-108150322-GA-G.
Other names: c.3391del, p.Gly1130_Met1131insTer (NM_001351834.2).
Identifiers: ClinVar variation 1730915 (VCV001730915.2), dbSNP rs2546862966, ClinGen allele CA2580082989.
Genomic context (GRCh38, chr11:108,279,595, plus strand): 5'-CACTTCCTTTGAAGCTTCAGCAAACAGCTTTTGAAAATGCATACTTGAAAGCTCAGGAAG[GA>G]ATGAGAGAAATGGTAATTTTAAGTAACATGTATTTGCTGTTATCATATGCTTGCTATGAA-3'